The following is an entry in ClinVar:

ClinVar aggregate classification (germline): Conflicting classifications of pathogenicity. Review status: criteria provided, conflicting classifications (1 of 4 stars). 10 submissions from 9 submitters: Uncertain significance (1); Benign (2); Likely benign (4). 3 of the submissions do not count toward it. Last evaluated 2026-01-28.

Conditions:
Joubert syndrome 9 (JBTS9). Identifiers: Orphanet 2318, MedGen C2676788, MONDO:0012849, OMIM 612285.
CC2D2A-related disorder. Also called: CC2D2A-related condition; CC2D2A-related disorders. Identifiers: MedGen CN239313.
Meckel-Gruber syndrome. Also called: Dysencephalia splachnocystica; DYSENCEPHALIA SPLANCHNOCYSTICA; GRUBER SYNDROME. Identifiers: Orphanet 564, MedGen C0265215, MONDO:0018921.
Joubert syndrome. Also called: JOUBERT-BOLTSHAUSER SYNDROME; Familial aplasia of the vermis. Identifiers: Orphanet 475, MedGen C5979921, MONDO:0018772.
Meckel syndrome, type 6. Identifiers: Orphanet 564, MedGen C2676790, MONDO:0012848, OMIM 612284.

Allele frequency attached by ClinVar (database versions not stated): gnomAD 0.00009 and 0.00029; ESP Exome Variant Server 0.00017; TOPMed 0.00019; 1000 Genomes Project 30x 0.00078; 1000 Genomes Project 0.00080; ExAC 0.00336.
gnomAD v4.1: 811 of 1,555,626 alleles (0.052%); highest among the groups gnomAD compares: South Asian, 0.72%; 15 homozygotes.

Submissions (10):

Labcorp Genetics (formerly Invitae), Labcorp
Classification: Benign for Joubert syndrome; Meckel-Gruber syndrome. Last evaluated: 2026-01-28. Review status: criteria provided, single submitter. Criteria: Invitae Variant Classification Sherloc (09022015). Collection method: clinical testing. Allele origin: germline.

CeGaT Center for Human Genetics Tuebingen
Classification: Likely benign. Last evaluated: 2025-07-01. Review status: criteria provided, single submitter. Criteria: CeGaT Center For Human Genetics Tuebingen Variant Classification Criteria Version 2. Collection method: clinical testing. Allele origin: germline. Affected: yes. Observed: 3 variant alleles.
Comment: CC2D2A: BS2

Mayo Clinic Laboratories, Mayo Clinic
Classification: Benign. Last evaluated: 2025-04-10. Review status: criteria provided, single submitter. Criteria: ACMG Guidelines, 2015. Collection method: clinical testing. Allele origin: germline. Observed: 2 variant alleles.
Comment: BS1, BS2, BP4_moderate

GeneDx
Classification: Likely benign. Last evaluated: 2018-02-22. Review status: criteria provided, single submitter. Criteria: GeneDx Variant Classification (06012015). Collection method: clinical testing. Allele origin: germline. Affected: yes.
Comment: This variant is considered likely benign or benign based on one or more of the following criteria: it is a conservative change, it occurs at a poorly conserved position in the protein, it is predicted to be benign by multiple in silico algorithms, and/or has population frequency not consistent with disease.

Illumina Laboratory Services, Illumina
Classification: Uncertain significance for Meckel syndrome, type 6. Last evaluated: 2018-01-13. Review status: criteria provided, single submitter. Criteria: ICSL Variant Classification Criteria 13 December 2019. Collection method: clinical testing. Allele origin: germline.

Illumina Laboratory Services, Illumina
Classification: Likely benign for Joubert syndrome 9. Last evaluated: 2018-01-13. Review status: criteria provided, single submitter. Criteria: ICSL Variant Classification Criteria 13 December 2019. Collection method: clinical testing. Allele origin: germline.
Comment: This variant was observed in the ICSL laboratory as part of a predisposition screen in an ostensibly healthy population. It had not been previously curated by ICSL or reported in the Human Gene Mutation Database (HGMD: prior to June 1st, 2018), and was therefore a candidate for classification through an automated scoring system. Utilizing variant allele frequency, disease prevalence and penetrance estimates, and inheritance mode, an automated score was calculated to assess if this variant is too frequent to cause the disease. Based on the score and internal cut-off values, a variant classified as likely benign is not then subjected to further curation. The score for this variant resulted in a classification of likely benign for this disease.

Eurofins Ntd Llc (ga)
Classification: Likely benign. Last evaluated: 2017-07-28. Review status: criteria provided, single submitter. Criteria: EGL Classification Definitions 2015. Collection method: clinical testing. Allele origin: germline. Observed: 1 variant allele, 1 heterozygote.

PreventionGenetics, part of Exact Sciences
Classification: Benign for CC2D2A-related condition. Last evaluated: 2019-08-28. Review status: no assertion criteria provided. Collection method: clinical testing. Allele origin: germline. Not counted in ClinVar's aggregate classification.
Comment: This variant is classified as benign based on ACMG/AMP sequence variant interpretation guidelines (Richards et al. 2015 PMID: 25741868, with internal and published modifications).

Clinical Genetics DNA and cytogenetics Diagnostics Lab, Erasmus MC, Erasmus Medical Center
Classification: Likely benign. Review status: no assertion criteria provided. Collection method: clinical testing. Allele origin: germline. Affected: yes. Study: VKGL Data-share Consensus. Not counted in ClinVar's aggregate classification.

Clinical Genetics, Academic Medical Center
Classification: Likely benign. Review status: no assertion criteria provided. Collection method: clinical testing. Allele origin: germline. Affected: yes. Study: VKGL Data-share Consensus. Not counted in ClinVar's aggregate classification.

NM_001378615.1(CC2D2A):c.922T>C (p.Phe308Leu)

Genes: CC2D2A (coiled-coil and C2 domain containing 2A; plus strand), FBXL5 (F-box and leucine rich repeat protein 5; minus strand). Cytogenetic location: 4p15.32.
Variant type: single nucleotide variant.
Coding change: c.922T>C on transcript NM_001378615.1 (MANE Select); coding-DNA position 922, T replaced by C.
Protein change: p.Phe308Leu; replaces phenylalanine 308 with leucine.
Molecular consequence: missense variant.
Genome position (GRCh38, 1-based): chr4:15,515,909, T>C. VCF-style: chr4-15515909-T-C. GRCh37 (hg19) VCF-style: chr4-15517532-T-C.
Other names: p.Phe308Leu; c.922T>C, p.Phe308Leu (NM_001080522.2); c.775T>C, p.Phe259Leu (NM_001378617.1); short protein forms F308L, F259L.
Identifiers: ClinVar variation 506421 (VCV000506421.48), dbSNP rs201465430, ClinGen allele CA2863521.